The following is an entry in ClinVar:

NM_002972.4(SBF1):c.4454C>T (p.Ser1485Phe)

Gene: SBF1 (SET binding factor 1; minus strand). Cytogenetic location: 22q13.33.
Variant type: single nucleotide variant.
Coding change: c.4454C>T on transcript NM_002972.4 (MANE Select); coding-DNA position 4454, C replaced by T.
Protein change: p.Ser1485Phe; replaces serine 1485 with phenylalanine.
Molecular consequence: missense variant.
Genome position (GRCh38, 1-based): chr22:50,455,324, G>A on the plus strand (C>T on the coding strand, the complement: SBF1 is on the minus strand). VCF-style: chr22-50455324-G-A. GRCh37 (hg19) VCF-style: chr22-50893753-G-A.
Other names: c.4454C>T (NM_002972.2); c.4379C>T, p.Ser1460Phe (NM_001365819.1); c.4457C>T, p.Ser1486Phe (NM_001410794.1); c.4376C>T, p.Ser1459Phe (NM_001410795.1); c.4454C>T, p.Ser1485Phe (NM_197971.1); short protein forms S1485F, S1460F, S1486F, S1459F.
Identifiers: ClinVar variation 1928797 (VCV001928797.7), dbSNP rs1371998490, ClinGen allele CA412195744.

ClinVar aggregate classification (germline): Uncertain significance. Review status: criteria provided, multiple submitters, no conflicts (2 of 4 stars). 2 submissions from 2 submitters: Uncertain significance (2). Last evaluated 2023-06-28.

gnomAD v4.1: 1 of 1,613,414 alleles (0.000062%); highest among the groups gnomAD compares: East Asian, 0.0022%; no homozygotes.

Submissions (2):

Ambry Genetics
Classification: Uncertain significance. Last evaluated: 2023-06-28. Review status: criteria provided, single submitter. Criteria: Ambry Variant Classification Scheme 2023. Collection method: clinical testing. Allele origin: germline.

Labcorp Genetics (formerly Invitae), Labcorp
Classification: Uncertain significance. Last evaluated: 2022-05-31. Review status: criteria provided, single submitter. Criteria: Invitae Variant Classification Sherloc (09022015). Collection method: clinical testing. Allele origin: germline.
Comment: This sequence change replaces serine, which is neutral and polar, with phenylalanine, which is neutral and non-polar, at codon 1485 of the SBF1 protein (p.Ser1485Phe). This variant is present in population databases (no rsID available, gnomAD 0.006%). This variant has not been reported in the literature in individuals affected with SBF1-related conditions. Algorithms developed to predict the effect of missense changes on protein structure and function are either unavailable or do not agree on the potential impact of this missense change (SIFT: "Deleterious"; PolyPhen-2: "Probably Damaging"; Align-GVGD: "Class C0"). In summary, the available evidence is currently insufficient to determine the role of this variant in disease. Therefore, it has been classified as a Variant of Uncertain Significance.